The following is an entry in ClinVar:

ClinVar aggregate classification (germline): Uncertain significance (1 of 4 stars; one submission).

Allele frequency attached by ClinVar (database versions not stated): TOPMed below 0.00001; gnomAD 0.00001; ExAC 0.00002; 1000 Genomes Project 30x 0.00016; 1000 Genomes Project 0.00020.
gnomAD v4.1: 2 of 1,613,996 alleles (0.00012%); highest among the groups gnomAD compares: Admixed American, 0.0033%; no homozygotes.

Submission:

Labcorp Genetics (formerly Invitae), Labcorp
Classification: Uncertain significance. Last evaluated: 2022-07-06. Review status: criteria provided, single submitter. Criteria: Invitae Variant Classification Sherloc (09022015). Collection method: clinical testing. Allele origin: germline.
Comment: This variant has not been reported in the literature in individuals affected with USH2A-related conditions. This variant is present in population databases (rs200208776, gnomAD 0.006%). This sequence change replaces aspartic acid, which is acidic and polar, with glutamic acid, which is acidic and polar, at codon 3352 of the USH2A protein (p.Asp3352Glu). Algorithms developed to predict the effect of missense changes on protein structure and function are either unavailable or do not agree on the potential impact of this missense change (SIFT: "Deleterious"; PolyPhen-2: "Benign"; Align-GVGD: "Class C35"). In summary, the available evidence is currently insufficient to determine the role of this variant in disease. Therefore, it has been classified as a Variant of Uncertain Significance.

NM_206933.4(USH2A):c.10056C>G (p.Asp3352Glu)

Gene: USH2A (usherin; minus strand). Cytogenetic location: 1q41.
Variant type: single nucleotide variant.
Coding change: c.10056C>G on transcript NM_206933.4 (MANE Select); coding-DNA position 10056, C replaced by G.
Protein change: p.Asp3352Glu; replaces aspartic acid 3352 with glutamic acid.
Molecular consequence: missense variant.
Genome position (GRCh38, 1-based): chr1:215,790,185, G>C on the plus strand (C>G on the coding strand, the complement: USH2A is on the minus strand). VCF-style: chr1-215790185-G-C. GRCh37 (hg19) VCF-style: chr1-215963527-G-C.
Other names: short protein forms D3352E.
Identifiers: ClinVar variation 1909900 (VCV001909900.5), dbSNP rs200208776, ClinGen allele CA1394147.